The following is an entry in ClinVar:

NM_000238.4(KCNH2):c.2606C>T (p.Pro869Leu)

Gene: KCNH2 (potassium voltage-gated channel subfamily H member 2; minus strand). Cytogenetic location: 7q36.1.
Variant type: single nucleotide variant.
Coding change: c.2606C>T on transcript NM_000238.4 (MANE Select); coding-DNA position 2606, C replaced by T.
Protein change: p.Pro869Leu; replaces proline 869 with leucine.
Molecular consequence: missense variant.
Genome position (GRCh38, 1-based): chr7:150,948,530, G>A on the plus strand (C>T on the coding strand, the complement: KCNH2 is on the minus strand). VCF-style: chr7-150948530-G-A. GRCh37 (hg19) VCF-style: chr7-150645618-G-A.
Other names: p.P869L:CCG>CTG; c.1586C>T, p.Pro529Leu (NM_172057.3); short protein forms P529L, P869L.
Identifiers: ClinVar variation 200473 (VCV000200473.23), dbSNP rs763031434, ClinGen allele CA007025.

ClinVar aggregate classification (germline): Uncertain significance. Review status: criteria provided, multiple submitters, no conflicts (2 of 4 stars). 7 submissions from 7 submitters: Uncertain significance (7). Last evaluated 2026-01-05.

Conditions:
Cardiovascular phenotype. Identifiers: MedGen CN230736.
Cardiac arrhythmia. Also called: Cardiac rhythm disease; Arrhythmia. Identifiers: MedGen C0003811, MONDO:0007263, HP:0011675.
Long QT syndrome 2 (LQT2). Identifiers: Orphanet 101016, Orphanet 768, MedGen C3150943, MONDO:0013367, OMIM 613688.
Short QT syndrome type 1. Identifiers: Orphanet 51083, MedGen C1865020, MONDO:0012312, OMIM 609620.
Long QT syndrome (LQTS). Identifiers: MedGen C0023976, MeSH D008133, MONDO:0002442. Disease mechanism: loss of function. Inheritance: Various modes of inheritance.
Brugada syndrome 1 (BRGDA1). Also called: RIGHT BUNDLE BRANCH BLOCK, ST SEGMENT ELEVATION, AND SUDDEN DEATH SYNDROME. Identifiers: Orphanet 130, MedGen C4551804, MONDO:0011001, OMIM 601144.

Allele frequency attached by ClinVar (database versions not stated): gnomAD exomes below 0.00001 and 0.00001; ExAC 0.00001; gnomAD 0.00001; TOPMed 0.00002.
gnomAD v4.1: 9 of 1,608,732 alleles (0.00056%); highest among the groups gnomAD compares: African/African-American, 0.0027%; no homozygotes.

Submissions (7):

Labcorp Genetics (formerly Invitae), Labcorp
Classification: Uncertain significance for Long QT syndrome. Last evaluated: 2026-01-05. Review status: criteria provided, single submitter. Criteria: Invitae Variant Classification Sherloc (09022015). Collection method: clinical testing. Allele origin: germline.
Comment: This sequence change replaces proline, which is neutral and non-polar, with leucine, which is neutral and non-polar, at codon 869 of the KCNH2 protein (p.Pro869Leu). This variant is present in population databases (rs763031434, gnomAD 0.004%). This variant has not been reported in the literature in individuals affected with KCNH2-related conditions. ClinVar contains an entry for this variant (Variation ID: 200473). An algorithm developed to predict the effect of missense changes on protein structure and function (PolyPhen-2) suggests that this variant is likely to be tolerated. In summary, the available evidence is currently insufficient to determine the role of this variant in disease. Therefore, it has been classified as a Variant of Uncertain Significance.

Ambry Genetics
Classification: Uncertain significance for Cardiovascular phenotype. Last evaluated: 2025-03-14. Review status: criteria provided, single submitter. Criteria: Ambry Variant Classification Scheme 2023. Collection method: clinical testing. Allele origin: germline.
Comment: The p.P869L variant (also known as c.2606C>T), located in coding exon 11 of the KCNH2 gene, results from a C to T substitution at nucleotide position 2606. The proline at codon 869 is replaced by leucine, an amino acid with similar properties. This alteration has been reported in a cardiomyopathy and primary arrhythmia syndrome cohort; however, clinical details were limited and additional alterations in other cardiac-related genes were identified in some cases (Robyns T et al. Eur J Hum Genet, 2017 Dec;25:1313-1323). Additionally, this alteration was detected in an epilepsy cohort (Li X et al. Ann Hum Genet, 2020 Mar;84:161-168). This amino acid position is highly conserved in available vertebrate species. In addition, this alteration is predicted to be deleterious by in silico analysis. Since supporting evidence is limited at this time, the clinical significance of this alteration remains unclear.

All of Us Research Program, National Institutes of Health
Classification: Uncertain significance for Long QT syndrome. Last evaluated: 2024-08-13. Review status: criteria provided, single submitter. Criteria: ACMG Guidelines, 2015. Collection method: clinical testing. Allele origin: germline. Inheritance: Autosomal dominant inheritance. Observed: 8 variant alleles, 8 heterozygotes.
Comment: This missense variant replaces proline with leucine at codon 869 of the KCNH2 protein. Computational prediction suggests that this variant may have deleterious impact on protein structure and function (internally defined REVEL score threshold >= 0.7, PMID: 27666373). Splice site prediction tools suggest that this variant may not impact RNA splicing. To our knowledge, functional studies have not been performed for this variant. This variant has not been reported in individuals affected with cardiovascular disorders in the literature. This variant has been identified in 3/281566 chromosomes in the general population by the Genome Aggregation Database (gnomAD). The available evidence is insufficient to determine the role of this variant in disease conclusively. Therefore, this variant is classified as a Variant of Uncertain Significance.

This study involves interpretation of variants in research participants for the purpose of population health screening. Participant phenotype was not available at the time of variant classification. Additional details can be found in publication PMID: 35346344, PMCID: PMC8962531

Color Diagnostics, LLC DBA Color Health
Classification: Uncertain significance for Cardiac arrhythmia. Last evaluated: 2024-03-19. Review status: criteria provided, single submitter. Criteria: ACMG Guidelines, 2015. Collection method: clinical testing. Allele origin: germline.
Comment: This missense variant replaces proline with leucine at codon 869 of the KCNH2 protein. Computational prediction suggests that this variant may have deleterious impact on protein structure and function. To our knowledge, functional studies have not been reported for this variant. This variant has not been reported in individuals affected with KCNH2-related disorders in the literature. This variant has been identified in 3/281566 chromosomes in the general population by the Genome Aggregation Database (gnomAD). The available evidence is insufficient to determine the role of this variant in disease conclusively. Therefore, this variant is classified as a Variant of Uncertain Significance.

Fulgent Genetics
Classification: Uncertain significance for Short QT syndrome type 1; Long QT syndrome 2. Last evaluated: 2021-09-16. Review status: criteria provided, single submitter. Criteria: ACMG Guidelines, 2015. Collection method: clinical testing. Allele origin: unknown.

Center for Human Genetics, University of Leuven
Classification: Uncertain significance for Brugada syndrome 1. Last evaluated: 2017-02-09. Review status: criteria provided, single submitter. Criteria: ACMG Guidelines, 2015. Collection method: clinical testing. Allele origin: germline. Inheritance: Autosomal dominant inheritance. Affected: yes. Observed: 1 variant allele.
Comment: ACMG score unknown significance

GeneDx
Classification: Uncertain significance. Last evaluated: 2013-06-10. Review status: criteria provided, single submitter. Criteria: GeneDx Variant Classification (06012015). Collection method: clinical testing. Allele origin: germline. Affected: yes.
Comment: The Pro869Leu variant in the KCNH2 gene has not been reported as a disease-causing mutation or as a benign polymorphism to our knowledge. Pro869Leu results in the removal of a sterically constrained Proline residue at a position that is conserved across species. Other nearby missense mutations have been reported (Ile858Thr, Asn861His, Asn861Ile, Asp864Gly, Gly873Ser, Gly879Arg) in association with arrhythmia, further supporting the functional importance of this region of the protein. In addition, the Pro869Leu variant was not observed in approximately 6,000 individuals of European and African American ancestry in the NHLBI Exome Sequencing Project, indicating it is not a common benign variant in these populations. However, in silico analysis predicts Pro869Leu is benign to the protein structure/function.With the clinical and molecular information available at this time, we cannot definitively determine if Pro869Leu in the KCNH2 gene is a disease-causing mutation or a rare benign variant. The variant is found in POSTMORTEM,LQT panel(s).

Literature cited by the submitters: PubMed 29255176 (cited by Ambry Genetics); PubMed 31696929 (cited by Ambry Genetics).